The following is an entry in ClinVar:

NM_024408.4(NOTCH2):c.2588C>T (p.Pro863Leu)

Gene: NOTCH2 (notch receptor 2; minus strand). Cytogenetic location: 1p12.
Variant type: single nucleotide variant.
Coding change: c.2588C>T on transcript NM_024408.4 (MANE Select); coding-DNA position 2588, C replaced by T.
Protein change: p.Pro863Leu; replaces proline 863 with leucine.
Molecular consequence: missense variant.
Genome position (GRCh38, 1-based): chr1:119,949,018, G>A on the plus strand (C>T on the coding strand, the complement: NOTCH2 is on the minus strand). VCF-style: chr1-119949018-G-A. GRCh37 (hg19) VCF-style: chr1-120491641-G-A.
Other names: c.2588C>T, p.Pro863Leu (NM_001200001.2); short protein forms P863L.
Identifiers: ClinVar variation 1348940 (VCV001348940.8), dbSNP rs2101115530, ClinGen allele CA341858881.

ClinVar aggregate classification (germline): Uncertain significance (1 of 4 stars; one submission).

Conditions:
Hajdu-Cheney syndrome (HJCYS). Also called: Acroosteolysis dominant type; ACROOSTEOLYSIS WITH OSTEOPOROSIS AND CHANGES IN SKULL AND MANDIBLE; SERPENTINE FIBULA-POLYCYSTIC KIDNEY SYNDROME. Identifiers: Orphanet 955, MedGen C0917715, MONDO:0007057, OMIM 102500.

Allele frequency attached by ClinVar (database versions not stated): gnomAD exomes below 0.00001.
gnomAD v4.1: 2 of 1,614,178 alleles (0.00012%); highest among the groups gnomAD compares: Admixed American, 0.0017%; no homozygotes.

Submission:

Labcorp Genetics (formerly Invitae), Labcorp
Classification: Uncertain significance for Hajdu-Cheney syndrome. Last evaluated: 2024-11-13. Review status: criteria provided, single submitter. Criteria: Invitae Variant Classification Sherloc (09022015). Collection method: clinical testing. Allele origin: germline.
Comment: This sequence change replaces proline, which is neutral and non-polar, with leucine, which is neutral and non-polar, at codon 863 of the NOTCH2 protein (p.Pro863Leu). This variant is not present in population databases (gnomAD no frequency). This variant has not been reported in the literature in individuals affected with NOTCH2-related conditions. ClinVar contains an entry for this variant (Variation ID: 1348940). Invitae Evidence Modeling of protein sequence and biophysical properties (such as structural, functional, and spatial information, amino acid conservation, physicochemical variation, residue mobility, and thermodynamic stability) indicates that this missense variant is not expected to disrupt NOTCH2 protein function with a negative predictive value of 80%. In summary, the available evidence is currently insufficient to determine the role of this variant in disease. Therefore, it has been classified as a Variant of Uncertain Significance.